The following is an entry in ClinVar:

ClinVar aggregate classification (germline): Uncertain significance (1 of 4 stars; one submission).

gnomAD v4.1: 5 of 1,614,112 alleles (0.00031%); highest among the groups gnomAD compares: African/African-American, 0.0067%; no homozygotes.

Submission:

Labcorp Genetics (formerly Invitae), Labcorp
Classification: Uncertain significance. Last evaluated: 2025-05-27. Review status: criteria provided, single submitter. Criteria: Invitae Variant Classification Sherloc (09022015). Collection method: clinical testing. Allele origin: germline.
Comment: This sequence change replaces alanine, which is neutral and non-polar, with glycine, which is neutral and non-polar, at codon 471 of the KLF10 protein (p.Ala471Gly). This variant is present in population databases (rs765091829, gnomAD 0.01%). This variant has not been reported in the literature in individuals affected with KLF10-related conditions. ClinVar contains an entry for this variant (Variation ID: 3715719). An algorithm developed to predict the effect of missense changes on protein structure and function (PolyPhen-2) suggests that this variant is likely to be tolerated. In summary, the available evidence is currently insufficient to determine the role of this variant in disease. Therefore, it has been classified as a Variant of Uncertain Significance.

NM_005655.4(KLF10):c.1412C>G (p.Ala471Gly)

Gene: KLF10 (KLF transcription factor 10; minus strand). Cytogenetic location: 8q22.3.
Variant type: single nucleotide variant.
Coding change: c.1412C>G on transcript NM_005655.4 (MANE Select); coding-DNA position 1412, C replaced by G.
Protein change: p.Ala471Gly; replaces alanine 471 with glycine.
Molecular consequence: missense variant. On other transcripts: non-coding transcript variant (2).
Genome position (GRCh38, 1-based): chr8:102,650,163, G>C on the plus strand (C>G on the coding strand, the complement: KLF10 is on the minus strand). VCF-style: chr8-102650163-G-C. GRCh37 (hg19) VCF-style: chr8-103662391-G-C.
Other names: c.1379C>G, p.Ala460Gly (NM_001032282.4); short protein forms A471G, A460G.
Identifiers: ClinVar variation 3715719 (VCV003715719.2).